The following is an entry in ClinVar:

NM_014159.7(SETD2):c.4031A>C (p.Gln1344Pro)

Gene: SETD2 (SET domain containing 2, histone lysine methyltransferase; minus strand). Cytogenetic location: 3p21.31.
Variant type: single nucleotide variant.
Coding change: c.4031A>C on transcript NM_014159.7 (MANE Select); coding-DNA position 4031, A replaced by C.
Protein change: p.Gln1344Pro; replaces glutamine 1344 with proline.
Molecular consequence: missense variant. On other transcripts: non-coding transcript variant (1).
Genome position (GRCh38, 1-based): chr3:47,120,605, T>G on the plus strand (A>C on the coding strand, the complement: SETD2 is on the minus strand). VCF-style: chr3-47120605-T-G. GRCh37 (hg19) VCF-style: chr3-47162095-T-G.
Other names: c.3899A>C, p.Gln1300Pro (NM_001349370.3); short protein forms Q1344P, Q1300P.
Identifiers: ClinVar variation 853963 (VCV000853963.6), dbSNP rs755070193, ClinGen allele CA352519085.

ClinVar aggregate classification (germline): Uncertain significance (1 of 4 stars; one submission).

Conditions:
Luscan-Lumish syndrome. Identifiers: Orphanet 597738, MedGen C4085873, MONDO:0014791, OMIM 616831.

gnomAD v4.1: 1 of 1,613,950 alleles (0.000062%); highest among the groups gnomAD compares: Non-Finnish European, 0.000085%; no homozygotes.

Submission:

Labcorp Genetics (formerly Invitae), Labcorp
Classification: Uncertain significance for Luscan-Lumish syndrome. Last evaluated: 2019-04-01. Review status: criteria provided, single submitter. Criteria: Invitae Variant Classification Sherloc (09022015). Collection method: clinical testing. Allele origin: germline.
Comment: This sequence change replaces glutamine with proline at codon 1344 of the SETD2 protein (p.Gln1344Pro). The glutamine residue is weakly conserved and there is a moderate physicochemical difference between glutamine and proline. In summary, the available evidence is currently insufficient to determine the role of this variant in disease. Therefore, it has been classified as a Variant of Uncertain Significance. Algorithms developed to predict the effect of missense changes on protein structure and function output the following: SIFT: "Tolerated"; PolyPhen-2: "Benign"; Align-GVGD: "Class C0". The proline amino acid residue is found in multiple mammalian species, suggesting that this missense change does not adversely affect protein function. These predictions have not been confirmed by published functional studies and their clinical significance is uncertain. This variant has not been reported in the literature in individuals with SETD2-related conditions. This variant is not present in population databases (ExAC no frequency).